The following is an entry in ClinVar:

NM_001267550.2(TTN):c.16061A>G (p.Asp5354Gly)

Gene: TTN (titin; minus strand). Cytogenetic location: 2q31.2.
Variant type: single nucleotide variant.
Coding change: c.16061A>G on transcript NM_001267550.2 (MANE Select); coding-DNA position 16061, A replaced by G.
Protein change: p.Asp5354Gly; replaces aspartic acid 5354 with glycine.
Molecular consequence: missense variant. On other transcripts: intron variant (3).
Genome position (GRCh38, 1-based): chr2:178,733,115, T>C on the plus strand (A>G on the coding strand, the complement: TTN is on the minus strand). VCF-style: chr2-178733115-T-C. GRCh37 (hg19) VCF-style: chr2-179597842-T-C.
Other names: c.15110A>G, p.Asp5037Gly (NM_001256850.1); c.12329A>G, p.Asp4110Gly (NM_133378.4); c.13282+4967A>G (NM_003319.4); c.13858+4967A>G (NM_133437.4); c.13657+4967A>G (NM_133432.3); short protein forms D5354G, D5037G, D4110G.
Identifiers: ClinVar variation 4982899 (VCV004982899.1).

ClinVar aggregate classification (germline): Uncertain significance (1 of 4 stars; one submission).

Conditions:
TTN-related disorder. Also called: TTN-related disorders; TTN-related condition; TTN-related disease.

gnomAD v4.1: 10 of 1,588,830 alleles (0.00063%); highest among the groups gnomAD compares: African/African-American, 0.011%; no homozygotes.

Submission:

PreventionGenetics, part of Exact Sciences
Classification: Uncertain significance for TTN-related condition. Last evaluated: 2025-10-06. Review status: criteria provided, single submitter. Criteria: ACMG Guidelines, 2015. Collection method: clinical testing. Allele origin: germline.
Comment: The TTN c.16061A>G variant is predicted to result in the amino acid substitution p.Asp5354Gly. To our knowledge, this variant has not been reported in the literature. This variant is reported in 0.0056% of alleles in individuals of East Asian descent in gnomAD. At this time, the clinical significance of this variant is uncertain due to the absence of conclusive functional and genetic evidence.